The following is an entry in ClinVar:

NM_206933.4(USH2A):c.15356G>A (p.Arg5119Gln)

Gene: USH2A (usherin; minus strand). Cytogenetic location: 1q41.
Variant type: single nucleotide variant.
Coding change: c.15356G>A on transcript NM_206933.4 (MANE Select); coding-DNA position 15356, G replaced by A.
Protein change: p.Arg5119Gln; replaces arginine 5119 with glutamine.
Molecular consequence: missense variant.
Genome position (GRCh38, 1-based): chr1:215,628,977, C>T on the plus strand (G>A on the coding strand, the complement: USH2A is on the minus strand). VCF-style: chr1-215628977-C-T. GRCh37 (hg19) VCF-style: chr1-215802319-C-T.
Other names: short protein forms R5119Q.
Identifiers: ClinVar variation 971993 (VCV000971993.30), dbSNP rs201630132, ClinGen allele CA1392696.

ClinVar aggregate classification (germline): Uncertain significance. Review status: criteria provided, multiple submitters, no conflicts (2 of 4 stars). 9 submissions from 8 submitters: Uncertain significance (8). 1 of the submissions does not count toward it. Last evaluated 2026-07-16.

Conditions:
USH2A-related disorder. Also called: USH2A-related disorders; USH2A-related condition. Identifiers: MedGen CN239332.
Retinitis pigmentosa 39 (RP39). Identifiers: Orphanet 791, MedGen C3151138, MONDO:0013436, OMIM 613809.
Retinal dystrophy. Also called: Inherited retinal dystrophy. Identifiers: Orphanet 71862, MedGen C0854723, MeSH D058499, MONDO:0019118, HP:0000556.
Usher syndrome type 2A. Also called: RETINAL DISEASE IN USHER SYNDROME TYPE IIA, MODIFIER OF; USHER SYNDROME, TYPE IIA. Identifiers: Orphanet 231178, Orphanet 886, MedGen C1848634, MONDO:0010169, OMIM 276901.

Allele frequency attached by ClinVar (database versions not stated): TOPMed 0.00005; ExAC 0.00007; gnomAD 0.00007; ESP Exome Variant Server 0.00008; 1000 Genomes Project 0.00020; 1000 Genomes Project 30x 0.00031.
gnomAD v4.1: 140 of 1,613,920 alleles (0.0087%); highest among the groups gnomAD compares: Non-Finnish European, 0.011%; no homozygotes.

Submissions (9):

PreventionGenetics, part of Exact Sciences
Classification: Uncertain significance for USH2A-related condition. Last evaluated: 2026-07-16. Review status: criteria provided, single submitter. Criteria: ACMG Guidelines, 2015. Collection method: clinical testing. Allele origin: germline.
Comment: The USH2A c.15356G>A variant is predicted to result in the amino acid substitution p.Arg5119Gln. This variant was reported in individuals with retinitis pigmentosa (Table S6, Glöckle et al. 2014. PubMed ID: 23591405; Table S12, Diñeiro et al. 2020. PubMed ID: 32483926). This variant is reported in 0.015% of alleles in individuals of European (Non-Finnish) descent in gnomAD. At this time, the clinical significance of this variant is uncertain due to the absence of conclusive functional and genetic evidence.

Women's Health and Genetics/Laboratory Corporation of America, LabCorp
Classification: Uncertain significance. Last evaluated: 2024-10-30. Review status: criteria provided, single submitter. Criteria: LabCorp Variant Classification Summary - May 2015. Collection method: clinical testing. Allele origin: germline.
Comment: Variant summary: USH2A c.15356G>A (p.Arg5119Gln) results in a conservative amino acid change in the encoded protein sequence. Five of five in-silico tools predict a benign effect of the variant on protein function. The variant allele was found at a frequency of 9.5e-05 in 251404 control chromosomes. This frequency is not significantly higher than estimated for a pathogenic variant in USH2A causing Usher Syndrome (9.5e-05 vs 0.011), allowing no conclusion about variant significance. c.15356G>A has been reported in the literature with multiple other USH2A variants in at least 1 individual affected with retinitis pigmentosa (example, Glockle_2014). These report(s) do not provide unequivocal conclusions about association of the variant with Usher Syndrome. Co-occurrences with other pathogenic variant(s) have been reported (USH2A c.13550delG, p.Gly4517Valfs*3; c.12575G>A, p.Arg4192His), providing supporting evidence for a benign role. To our knowledge, no experimental evidence demonstrating an impact on protein function has been reported. The following publication has been ascertained in the context of this evaluation (PMID: 23591405). ClinVar contains an entry for this variant (Variation ID: 971993). Based on the evidence outlined above, the variant was classified as uncertain significance.

Blueprint Genetics
Classification: Uncertain significance. Last evaluated: 2024-06-07. Review status: criteria provided, single submitter. Criteria: ACMG Guidelines, 2015. Collection method: clinical testing. Allele origin: germline.

Genome-Nilou Lab
Classification: Uncertain significance for Retinitis pigmentosa 39. Last evaluated: 2023-11-04. Review status: criteria provided, single submitter. Criteria: ACMG Guidelines, 2015. Collection method: clinical testing. Allele origin: germline. Affected: no.

Genome-Nilou Lab
Classification: Uncertain significance for Usher syndrome type 2A. Last evaluated: 2023-11-04. Review status: criteria provided, single submitter. Criteria: ACMG Guidelines, 2015. Collection method: clinical testing. Allele origin: germline. Affected: no.

CeGaT Center for Human Genetics Tuebingen
Classification: Uncertain significance. Last evaluated: 2023-10-01. Review status: criteria provided, single submitter. Criteria: CeGaT Center For Human Genetics Tuebingen Variant Classification Criteria Version 2. Collection method: clinical testing. Allele origin: germline. Affected: yes. Observed: 1 variant allele.
Comment: USH2A: PM2:Supporting, BP4

Institute of Human Genetics, Univ. Regensburg, Univ. Regensburg
Classification: Uncertain significance for Retinal dystrophy. Last evaluated: 2023-01-01. Review status: criteria provided, single submitter. Criteria: ACMG Guidelines, 2015. Collection method: clinical testing. Allele origin: germline. Affected: yes.

Labcorp Genetics (formerly Invitae), Labcorp
Classification: Uncertain significance. Last evaluated: 2022-09-06. Review status: criteria provided, single submitter. Criteria: Invitae Variant Classification Sherloc (09022015). Collection method: clinical testing. Allele origin: germline.
Comment: This sequence change replaces arginine, which is basic and polar, with glutamine, which is neutral and polar, at codon 5119 of the USH2A protein (p.Arg5119Gln). The frequency data for this variant in the population databases is considered unreliable, as metrics indicate poor data quality at this position in the gnomAD database. This missense change has been observed in individual(s) with retinitis pigmentosa (PMID: 23591405). ClinVar contains an entry for this variant (Variation ID: 971993). Algorithms developed to predict the effect of missense changes on protein structure and function output the following: SIFT: "Tolerated"; PolyPhen-2: "Benign"; Align-GVGD: "Class C0". The glutamine amino acid residue is found in multiple mammalian species, which suggests that this missense change does not adversely affect protein function. In summary, the available evidence is currently insufficient to determine the role of this variant in disease. Therefore, it has been classified as a Variant of Uncertain Significance.

Natera, Inc.
Classification: Uncertain significance for Usher syndrome type 2A. Last evaluated: 2020-04-03. Review status: no assertion criteria provided. Collection method: clinical testing. Allele origin: germline. Not counted in ClinVar's aggregate classification.

Literature cited by the submitters: PubMed 23591405 (cited by 3 submitters); PubMed 3248392 (cited by Institute of Human Genetics, Univ. Regensburg, Univ. Regensburg).